The following is an entry in ClinVar:

NM_017617.5(NOTCH1):c.6727G>A (p.Gly2243Ser)

Gene: NOTCH1 (notch receptor 1; minus strand). Cytogenetic location: 9q34.3.
Variant type: single nucleotide variant.
Coding change: c.6727G>A on transcript NM_017617.5 (MANE Select); coding-DNA position 6727, G replaced by A.
Protein change: p.Gly2243Ser; replaces glycine 2243 with serine.
Molecular consequence: missense variant.
Genome position (GRCh38, 1-based): chr9:136,497,012, C>T on the plus strand (G>A on the coding strand, the complement: NOTCH1 is on the minus strand). VCF-style: chr9-136497012-C-T. GRCh37 (hg19) VCF-style: chr9-139391464-C-T.
Other names: p.Gly2243Ser; c.6727G>A, p.Gly2243Ser (LRG_1122t1); short protein forms G2243S.
Identifiers: ClinVar variation 519561 (VCV000519561.54), dbSNP rs61751491, ClinGen allele CA5339835.

ClinVar aggregate classification (germline): Conflicting classifications of pathogenicity. Review status: criteria provided, conflicting classifications (1 of 4 stars). 4 submissions from 4 submitters: Uncertain significance (2); Benign (1); Likely benign (1). Last evaluated 2026-01-07.

Conditions:
Adams-Oliver syndrome 5 (AOS5). Identifiers: Orphanet 974, MedGen C4014970, MONDO:0014459, OMIM 616028.
Familial thoracic aortic aneurysm and aortic dissection (TAAD). Also called: Thoracic aortic aneurysms and dissections. Identifiers: Orphanet 91387, MedGen C4707243, MONDO:0019625.

Allele frequency attached by ClinVar (database versions not stated): gnomAD 0.00003 and 0.00004; gnomAD exomes 0.00003; ExAC 0.00005; TOPMed 0.00006.
gnomAD v4.1: 55 of 1,609,820 alleles (0.0034%); highest among the groups gnomAD compares: Non-Finnish European, 0.0042%; no homozygotes.

Submissions (4):

Labcorp Genetics (formerly Invitae), Labcorp
Classification: Benign for Adams-Oliver syndrome 5. Last evaluated: 2026-01-07. Review status: criteria provided, single submitter. Criteria: Invitae Variant Classification Sherloc (09022015). Collection method: clinical testing. Allele origin: germline.

Ambry Genetics
Classification: Uncertain significance for Familial thoracic aortic aneurysm and aortic dissection. Last evaluated: 2025-01-11. Review status: criteria provided, single submitter. Criteria: Ambry Variant Classification Scheme 2023. Collection method: clinical testing. Allele origin: germline.
Comment: The p.G2243S variant (also known as c.6727G>A), located in coding exon 34 of the NOTCH1 gene, results from a G to A substitution at nucleotide position 6727. The glycine at codon 2243 is replaced by serine, an amino acid with similar properties. This variant was detected in a pediatric patient with T-cell acute lymphoblastic leukemia where NOTCH1 was only partially sequenced and clinical information was not available (Kraszewska MD et al, Blood Cells Mol. Dis. 2013 Jan; 50(1):33-8). This amino acid position is not well conserved in available vertebrate species, and serine is the reference amino acid in other vertebrate species. In addition, this alteration is predicted to be tolerated by in silico analysis. Since supporting evidence is limited at this time, the clinical significance of this alteration remains unclear.

Mayo Clinic Laboratories, Mayo Clinic
Classification: Uncertain significance. Last evaluated: 2024-07-17. Review status: criteria provided, single submitter. Criteria: ACMG Guidelines, 2015. Collection method: clinical testing. Allele origin: germline. Observed: 2 variant alleles.
Comment: BP4

GeneDx
Classification: Likely benign. Last evaluated: 2021-01-27. Review status: criteria provided, single submitter. Criteria: GeneDx Variant Classification Process June 2021. Collection method: clinical testing. Allele origin: germline. Affected: yes.
Comment: In silico analysis, which includes protein predictors and evolutionary conservation, supports that this variant does not alter protein structure/function; Has not been previously published as pathogenic or benign to our knowledge

Literature cited by the submitters: PubMed 23040356 (cited by Ambry Genetics and Mayo Clinic Laboratories, Mayo Clinic).